The following is an entry in ClinVar:

NM_004974.4(KCNA2):c.928C>T (p.His310Tyr)

Gene: KCNA2 (potassium voltage-gated channel subfamily A member 2; minus strand). Cytogenetic location: 1p13.3.
Variant type: single nucleotide variant.
Coding change: c.928C>T on transcript NM_004974.4 (MANE Select); coding-DNA position 928, C replaced by T.
Protein change: p.His310Tyr; replaces histidine 310 with tyrosine.
Molecular consequence: missense variant. On other transcripts: intron variant (1).
Genome position (GRCh38, 1-based): chr1:110,603,855, G>A on the plus strand (C>T on the coding strand, the complement: KCNA2 is on the minus strand). VCF-style: chr1-110603855-G-A. GRCh37 (hg19) VCF-style: chr1-111146477-G-A.
Other names: c.894+34C>T (NM_001204269.2); short protein forms H310Y.
Identifiers: ClinVar variation 3000030 (VCV003000030.6), dbSNP rs1342073847, ClinGen allele CA341602728.

ClinVar aggregate classification (germline): Uncertain significance. Review status: criteria provided, multiple submitters, no conflicts (2 of 4 stars). 4 submissions from 4 submitters: Uncertain significance (3). 1 of the submissions does not count toward it. Last evaluated 2026-01-02.

Conditions:
Developmental and epileptic encephalopathy, 32 (DEE32). Also called: Epileptic encephalopathy, early infantile, 32. Identifiers: Orphanet 442835, MedGen C4225350, MONDO:0014607, OMIM 616366.

Allele frequency attached by ClinVar (database versions not stated): gnomAD 0.00001.
gnomAD v4.1: 1 of 1,614,082 alleles (0.000062%); no homozygotes.

Submissions (4):

Women's Health and Genetics/Laboratory Corporation of America, LabCorp
Classification: Uncertain significance. Last evaluated: 2026-01-02. Review status: criteria provided, single submitter. Criteria: LabCorp Variant Classification Summary - May 2015. Collection method: clinical testing. Allele origin: germline.
Comment: Variant summary: KCNA2 c.928C>T (p.His310Tyr) results in a conservative amino acid change in the encoded protein sequence. Algorithms developed to predict the effect of missense changes on protein structure and function are either unavailable or do not agree on the potential impact of this missense change. The variant was absent in 251456 control chromosomes (gnomAD). The available data on variant occurrences in the general population are insufficient to allow any conclusion about variant significance. c.928C>T has been observed in individuals affected with epilepsy and developmental delay (Mnguez-Vias_2023, internal data). These data do not allow any conclusion about variant significance. At least one publication reports experimental evidence evaluating an impact on protein function and this variant produced dual gain of function, increasing both cell-surface trafficking and activity, delaying channel closure (Mnguez-Vias_2023). The following publications have been ascertained in the context of this evaluation (PMID: 37883018). ClinVar contains an entry for this variant (Variation ID: 3000030). Based on the evidence outlined above, the variant was classified as uncertain significance.

Labcorp Genetics (formerly Invitae), Labcorp
Classification: Uncertain significance for Developmental and epileptic encephalopathy, 32. Last evaluated: 2023-03-10. Review status: criteria provided, single submitter. Criteria: Invitae Variant Classification Sherloc (09022015). Collection method: clinical testing. Allele origin: germline.
Comment: This sequence change replaces histidine, which is basic and polar, with tyrosine, which is neutral and polar, at codon 310 of the KCNA2 protein (p.His310Tyr). This variant is present in population databases (no rsID available, gnomAD 0.03%). This missense change has been observed in individual(s) with clinical features of KCNA2-related conditions (Invitae). Advanced modeling of protein sequence and biophysical properties (such as structural, functional, and spatial information, amino acid conservation, physicochemical variation, residue mobility, and thermodynamic stability) performed at Invitae indicates that this missense variant is not expected to disrupt KCNA2 protein function. In summary, the available evidence is currently insufficient to determine the role of this variant in disease. Therefore, it has been classified as a Variant of Uncertain Significance.

Blueprint Genetics
Classification: Uncertain significance. Last evaluated: 2020-06-08. Review status: criteria provided, single submitter. Criteria: ACMG Guidelines, 2015. Collection method: clinical testing. Allele origin: germline.

Solve-RD Consortium
Classification: Likely pathogenic for Developmental and epileptic encephalopathy, 32. Last evaluated: 2022-06-01. Review status: no assertion criteria provided. Collection method: provider interpretation. Allele origin: inherited. Affected: yes. Not counted in ClinVar's aggregate classification.
Comment: Variant confirmed as disease-causing by referring clinical team

Variant identified during reanalysis of unsolved cases by the Solve-RD project. The Solve-RD project has received funding from the European Union’s Horizon 2020 research and innovation programme under grant agreement No 779257.

Literature cited by the submitters: PubMed 37883018 (cited by Women's Health and Genetics/Laboratory Corporation of America, LabCorp); PubMed 39825153 (cited by Solve-RD Consortium).